The following is an entry in ClinVar:

NM_006642.5(SDCCAG8):c.675+190T>C

Gene: SDCCAG8 (SHH signaling and ciliogenesis regulator SDCCAG8; plus strand). Cytogenetic location: 1q43.
Variant type: single nucleotide variant.
Coding change: c.675+190T>C on transcript NM_006642.5 (MANE Select); 190 bases into the intron after coding-DNA position 675, T replaced by C.
Molecular consequence: intron variant. On other transcripts: missense variant (1), 5 prime UTR variant (1).
Genome position (GRCh38, 1-based): chr1:243,293,409, T>C. VCF-style: chr1-243293409-T-C. GRCh37 (hg19) VCF-style: chr1-243456711-T-C.
Other names: c.686T>C, p.Ile229Thr (NM_001350248.2); c.-688T>C (NM_001350251.2); c.381+190T>C (NM_001350249.2); c.-438+190T>C (NM_001350246.2); c.-326+190T>C (NM_001350247.2); short protein forms I229T.
Identifiers: ClinVar variation 3355569 (VCV003355569.2).
Genomic context (GRCh38, chr1:243,293,409, plus strand): 5'-TGCATTAAGTACATTCATGTCACTCAATCATAAACATTATCCATTTTCAGAACTTTTTGA[T>C]CATCTCAAACAAAAAGTCTGGACGTATTAAACAATATCTCCATTCCCCTCCCTGCCAACC-3'

ClinVar aggregate classification (germline): Uncertain significance (1 of 4 stars; one submission).

Conditions:
SDCCAG8-related disorder. Also called: SDCCAG8-related condition; SDCCAG8-Related Disorders.

gnomAD v4.1: 14 of 734,578 alleles (0.0019%); highest among the groups gnomAD compares: African/African-American, 0.021%; no homozygotes.

Submission:

PreventionGenetics, part of Exact Sciences
Classification: Uncertain significance for SDCCAG8-related condition. Last evaluated: 2025-12-23. Review status: criteria provided, single submitter. Criteria: ACMG Guidelines, 2015. Collection method: clinical testing. Allele origin: germline.
Comment: The SDCCAG8 c.686T>C variant is predicted to result in the amino acid substitution p.Ile229Thr. In the primary transcript, this variant corresponds to an intronic position c.675+190T>C (NM_006642). To our knowledge, this variant has not been reported in the literature. This variant is reported in 0.013% of alleles in individuals of African descent in gnomAD. At this time, the clinical significance of this variant is uncertain due to the absence of conclusive functional and genetic evidence.